The following is an entry in ClinVar:

ClinVar aggregate classification (germline): Likely pathogenic (1 of 4 stars; one submission).

Submission:

Labcorp Genetics (formerly Invitae), Labcorp
Classification: Likely pathogenic. Last evaluated: 2024-10-24. Review status: criteria provided, single submitter. Criteria: Invitae Variant Classification Sherloc (09022015). Collection method: clinical testing. Allele origin: germline.
Comment: This sequence change replaces tryptophan, which is neutral and slightly polar, with arginine, which is basic and polar, at codon 701 of the ABCC6 protein (p.Trp701Arg). This variant is not present in population databases (gnomAD no frequency). This missense change has been observed in individual(s) with pseudoxanthoma elasticum (internal data). ClinVar contains an entry for this variant (Variation ID: 1396177). Invitae Evidence Modeling of protein sequence and biophysical properties (such as structural, functional, and spatial information, amino acid conservation, physicochemical variation, residue mobility, and thermodynamic stability) indicates that this missense variant is expected to disrupt ABCC6 protein function with a positive predictive value of 95%. In summary, the currently available evidence indicates that the variant is pathogenic, but additional data are needed to prove that conclusively. Therefore, this variant has been classified as Likely Pathogenic.

NM_001171.6(ABCC6):c.2101T>C (p.Trp701Arg)

Gene: ABCC6 (ATP binding cassette subfamily C member 6; minus strand). Cytogenetic location: 16p13.11.
Variant type: single nucleotide variant.
Coding change: c.2101T>C on transcript NM_001171.6 (MANE Select); coding-DNA position 2101, T replaced by C.
Protein change: p.Trp701Arg; replaces tryptophan 701 with arginine.
Molecular consequence: missense variant. On other transcripts: non-coding transcript variant (1).
Genome position (GRCh38, 1-based): chr16:16,182,558, A>G on the plus strand (T>C on the coding strand, the complement: ABCC6 is on the minus strand). VCF-style: chr16-16182558-A-G. GRCh37 (hg19) VCF-style: chr16-16276415-A-G.
Other names: c.1759T>C, p.Trp587Arg (NM_001351800.1); short protein forms W701R, W587R.
Identifiers: ClinVar variation 1396177 (VCV001396177.6), dbSNP rs2152258991, ClinGen allele CA394888531.